The following is an entry in ClinVar:

NM_015443.4(KANSL1):c.1816C>T (p.Arg606Ter)

Gene: KANSL1 (KAT8 regulatory NSL complex subunit 1). Cytogenetic location: 17q21.31.
Variant type: single nucleotide variant.
Coding change: c.1816C>T on transcript NM_015443.4 (MANE Select); coding-DNA position 1816, C replaced by T.
Protein change: p.Arg606Ter; replaces arginine 606 with a stop codon.
Molecular consequence: nonsense.
Genome position (GRCh38, 1-based): chr17:46,066,569, G>A on the plus strand (C>T on the coding strand, the complement: KANSL1 is on the minus strand). VCF-style: chr17-46066569-G-A. GRCh37 (hg19) VCF-style: chr17-44143935-G-A.
Other names: c.1816C>T, p.Arg606Ter (NM_001193465.2, NM_001193466.2, NM_001379198.1); short protein forms R606*.
Identifiers: ClinVar variation 31693 (VCV000031693.18), dbSNP rs281865469, ClinGen allele CA342801.

ClinVar aggregate classification (germline): Pathogenic. Review status: criteria provided, multiple submitters, no conflicts (2 of 4 stars). 7 submissions from 7 submitters: Pathogenic (5). 2 of the submissions do not count toward it. Last evaluated 2023-08-24.

Conditions:
Global developmental delay (DD). Also called: Cognitive delay. Identifiers: MedGen C0557874, HP:0001263. Disease mechanism: loss of function.
Koolen-de Vries syndrome (KDVS). Identifiers: Orphanet 96169, MedGen C1864871, MONDO:0012496, OMIM 610443.

Submissions (7):

Laboratoire de Génétique Moléculaire, CHU Bordeaux
Classification: Pathogenic for Koolen-de Vries syndrome. Last evaluated: 2023-08-24. Review status: criteria provided, single submitter. Criteria: ACMG Guidelines, 2015. Collection method: clinical testing. Allele origin: germline. Affected: yes.

Labcorp Genetics (formerly Invitae), Labcorp
Classification: Pathogenic for Koolen-de Vries syndrome. Last evaluated: 2022-06-08. Review status: criteria provided, single submitter. Criteria: Invitae Variant Classification Sherloc (09022015). Collection method: clinical testing. Allele origin: germline.
Comment: This sequence change creates a premature translational stop signal (p.Arg606*) in the KANSL1 gene. It is expected to result in an absent or disrupted protein product. Loss-of-function variants in KANSL1 are known to be pathogenic (PMID: 22544363, 22544367). This variant is not present in population databases (gnomAD no frequency). This premature translational stop signal has been observed in individual(s) with clinical features of Koolen-de Vries syndrome (PMID: 22544367). In at least one individual the variant was observed to be de novo. ClinVar contains an entry for this variant (Variation ID: 31693). For these reasons, this variant has been classified as Pathogenic.

GeneDx
Classification: Pathogenic. Last evaluated: 2021-12-20. Review status: criteria provided, single submitter. Criteria: GeneDx Variant Classification Process June 2021. Collection method: clinical testing. Allele origin: germline. Affected: yes.
Comment: Nonsense variant predicted to result in protein truncation or nonsense mediated decay in a gene for which loss-of-function is a known mechanism of disease; Not observed at significant frequency in large population cohorts (Lek et al., 2016); This variant is associated with the following publications: (PMID: 22544367, 26293599)

Cytogénomique, Hospices Civils de Lyon
Classification: Pathogenic for Global developmental delay. Last evaluated: 2019-11-01. Review status: criteria provided, single submitter. Criteria: ACMG Guidelines, 2015. Collection method: clinical testing. Allele origin: de novo. Affected: yes.

SIB Swiss Institute of Bioinformatics
Classification: Pathogenic for Koolen-de Vries syndrome. Last evaluated: 2019-06-05. Review status: criteria provided, single submitter. Criteria: ACMG Guidelines, 2015. Collection method: curation. Allele origin: unknown.
Comment: This variant is interpreted as a Pathogenic for Koolen-De Vries syndrome, autosomal dominant. The following ACMG Tag(s) were applied: PM2: Absent from controls (or at extremely low frequency if recessive) in Exome Sequencing Project, 1000 Genomes Project, or Exome Aggregation Consortium. PM6: Assumed de novo, but without confirmation of paternity and maternity. PVS1: Predicted nullvariant in a gene where LOF is a known mechanism of disease.

OMIM
Classification: Pathogenic for KOOLEN-DE VRIES SYNDROME. Last evaluated: 2012-04-29. Review status: no assertion criteria provided. Collection method: literature only. Allele origin: germline. Not counted in ClinVar's aggregate classification.

GeneReviews
No classification provided. Condition: Koolen-de Vries syndrome. Review status: no classification provided. Collection method: literature only. Allele origin: unknown. Not counted in ClinVar's aggregate classification.

Literature cited by the submitters: PubMed 22544363 (cited by Labcorp Genetics (formerly Invitae), Labcorp); PubMed 22544367 (cited by 3 submitters); PubMed 20301783 (cited by GeneReviews); NCBI Bookshelf NBK24676 (cited by GeneReviews).